The following is an entry in ClinVar:

ClinVar aggregate classification (germline): Conflicting classifications of pathogenicity. Review status: criteria provided, conflicting classifications (1 of 4 stars). 3 submissions from 3 submitters: Likely pathogenic (2); Uncertain significance (1). Last evaluated 2021-12-31.

Conditions:
Inborn genetic diseases. Identifiers: MedGen C0950123, MeSH D030342.

Allele frequency attached by ClinVar (database versions not stated): TOPMed below 0.00001; gnomAD exomes 0.00001.
gnomAD v4.1: 5 of 1,606,616 alleles (0.00031%); highest among the groups gnomAD compares: Admixed American, 0.0083%; 1 homozygote.

Submissions (3):

Labcorp Genetics (formerly Invitae), Labcorp
Classification: Uncertain significance. Last evaluated: 2021-12-31. Review status: criteria provided, single submitter. Criteria: Invitae Variant Classification Sherloc (09022015). Collection method: clinical testing. Allele origin: germline.
Comment: This sequence change affects an acceptor splice site in intron 10 of the PLAA gene. It is expected to disrupt RNA splicing. Variants that disrupt the donor or acceptor splice site typically lead to a loss of protein function (PMID: 16199547), however the current clinical and genetic evidence is not sufficient to establish whether loss-of-function variants in PLAA cause disease. This variant is present in population databases (no rsID available, gnomAD 0.006%). Disruption of this splice site has been observed in individual(s) with clinical features of PLAA-related conditions (PMID: 30755392). ClinVar contains an entry for this variant (Variation ID: 598964). Algorithms developed to predict the effect of sequence changes on RNA splicing suggest that this variant may disrupt the consensus splice site. In summary, the available evidence is currently insufficient to determine the role of this variant in disease. Therefore, it has been classified as a Variant of Uncertain Significance.

Center for Personalized Medicine, Children's Hospital Los Angeles
Classification: Likely pathogenic. Last evaluated: 2018-11-19. Review status: criteria provided, single submitter. Criteria: ACMG Guidelines, 2015. Collection method: clinical testing. Allele origin: germline. Affected: yes.

Ambry Genetics
Classification: Likely pathogenic for Inborn genetic diseases. Last evaluated: 2017-06-13. Review status: criteria provided, single submitter. Criteria: Ambry exome assertion method (8-5-2015). Collection method: clinical testing. Allele origin: germline. Affected: yes. Observed: 1 variant allele.

Literature cited by the submitters: PubMed 16199547 (cited by Labcorp Genetics (formerly Invitae), Labcorp); PubMed 30755392 (cited by Labcorp Genetics (formerly Invitae), Labcorp).

NM_001031689.3(PLAA):c.1487-1G>A

Gene: PLAA (phospholipase A2 activating protein; minus strand). Cytogenetic location: 9p21.2.
Variant type: single nucleotide variant.
Coding change: c.1487-1G>A on transcript NM_001031689.3 (MANE Select); the canonical splice acceptor site of the intron before coding-DNA position 1487, G replaced by A.
Molecular consequence: splice acceptor variant.
Genome position (GRCh38, 1-based): chr9:26,913,948, C>T on the plus strand (G>A on the coding strand, the complement: PLAA is on the minus strand). VCF-style: chr9-26913948-C-T. GRCh37 (hg19) VCF-style: chr9-26913946-C-T.
Other names: c.1418-1G>A (NM_001321546.2).
Identifiers: ClinVar variation 598964 (VCV000598964.10), dbSNP rs1426488816, ClinGen allele CA373131027.